The following is an entry in ClinVar:

ClinVar aggregate classification (germline): Uncertain significance (1 of 4 stars; one submission).

Allele frequency attached by ClinVar (database versions not stated): gnomAD exomes below 0.00001; gnomAD 0.00001.
gnomAD v4.1: 2 of 1,565,202 alleles (0.00013%); highest among the groups gnomAD compares: African/African-American, 0.0014%; no homozygotes.

Submission:

GeneDx
Classification: Uncertain significance. Last evaluated: 2021-10-29. Review status: criteria provided, single submitter. Criteria: GeneDx Variant Classification Process June 2021. Collection method: clinical testing. Allele origin: germline. Affected: yes.
Comment: Not observed at significant frequency in large population cohorts (gnomAD); In silico analysis supports that this missense variant has a deleterious effect on protein structure/function; Has not been previously published as pathogenic or benign to our knowledge

NM_016148.5(SHANK1):c.6037C>T (p.Pro2013Ser)

Gene: SHANK1 (SH3 and multiple ankyrin repeat domains 1; minus strand). Cytogenetic location: 19q13.33.
Variant type: single nucleotide variant.
Coding change: c.6037C>T on transcript NM_016148.5 (MANE Select); coding-DNA position 6037, C replaced by T.
Protein change: p.Pro2013Ser; replaces proline 2013 with serine.
Molecular consequence: missense variant.
Genome position (GRCh38, 1-based): chr19:50,662,414, G>A on the plus strand (C>T on the coding strand, the complement: SHANK1 is on the minus strand). VCF-style: chr19-50662414-G-A. GRCh37 (hg19) VCF-style: chr19-51165671-G-A.
Other names: short protein forms P2013S.
Identifiers: ClinVar variation 1683786 (VCV001683786.2), dbSNP rs776218363, ClinGen allele CA406999552.
Genomic context (GRCh38, chr19:50,662,414, plus strand): 5'-AGAGGCCTGGGTAGAGGGGTCCGGAAGGCAGGATGGGCAGGGACGAGGGCCTGGGCGCAG[G>A]GCTGACCTTGTGCTCCGAGGCGGGCAGCAGCGAGGGGCTGGGGGCCCGGCGGAGCAGAGG-3'
Protein context (NP_057232.2, residues 2003-2023): LLPASEHKVS[Pro2013Ser]APRPSSLPIL